The following is an entry in ClinVar:

ClinVar aggregate classification (germline): Benign/Likely benign. Review status: criteria provided, multiple submitters, no conflicts (2 of 4 stars). 4 submissions from 4 submitters: Benign (2); Likely benign (2). Last evaluated 2026-02-03.

Allele frequency attached by ClinVar (database versions not stated): gnomAD exomes 0.00008 and 0.00021; ExAC 0.00031; gnomAD 0.00096 and 0.00097; TOPMed 0.00097; 1000 Genomes Project 0.00120; ESP Exome Variant Server 0.00138; 1000 Genomes Project 30x 0.00141.
gnomAD v4.1: 262 of 1,613,958 alleles (0.016%); highest among the groups gnomAD compares: African/African-American, 0.34%; 1 homozygote.

Submissions (4):

Labcorp Genetics (formerly Invitae), Labcorp
Classification: Benign. Last evaluated: 2026-02-03. Review status: criteria provided, single submitter. Criteria: Invitae Variant Classification Sherloc (09022015). Collection method: clinical testing. Allele origin: germline.

Blueprint Genetics
Classification: Likely benign. Last evaluated: 2024-01-09. Review status: criteria provided, single submitter. Criteria: ACMG Guidelines, 2015. Collection method: clinical testing. Allele origin: germline.

GeneDx
Classification: Likely benign. Last evaluated: 2018-04-18. Review status: criteria provided, single submitter. Criteria: GeneDx Variant Classification (06012015). Collection method: clinical testing. Allele origin: germline. Affected: yes.
Comment: This variant is considered likely benign or benign based on one or more of the following criteria: it is a conservative change, it occurs at a poorly conserved position in the protein, it is predicted to be benign by multiple in silico algorithms, and/or has population frequency not consistent with disease.

PreventionGenetics, part of Exact Sciences
Classification: Benign. Review status: criteria provided, single submitter. Criteria: ACMG Guidelines, 2015. Collection method: clinical testing. Allele origin: germline.

NM_001854.4(COL11A1):c.4701T>C (p.Asp1567=)

Gene: COL11A1 (collagen type XI alpha 1 chain; minus strand). Cytogenetic location: 1p21.1.
Variant type: single nucleotide variant.
Coding change: c.4701T>C on transcript NM_001854.4 (MANE Select); coding-DNA position 4701, T replaced by C.
Protein change: p.Asp1567=; no amino-acid change (aspartic acid 1567 retained).
Molecular consequence: synonymous variant. On other transcripts: non-coding transcript variant (1).
Genome position (GRCh38, 1-based): chr1:102,886,964, A>G on the plus strand (T>C on the coding strand, the complement: COL11A1 is on the minus strand). VCF-style: chr1-102886964-A-G. GRCh37 (hg19) VCF-style: chr1-103352520-A-G.
Other names: c.4584T>C, p.Asp1528= (NM_001190709.2); c.4737T>C, p.Asp1579= (NM_080629.3); c.4353T>C, p.Asp1451= (NM_080630.4).
Identifiers: ClinVar variation 258469 (VCV000258469.12), dbSNP rs138691968, ClinGen allele CA973430.
Genomic context (GRCh38, chr1:102,886,964, plus strand): 5'-TTTCAGGGAATTGAGGGAACCAAATATTTCTTCCATTCCATCCGAGTAATCAAGAATATT[A>G]TCATCTGCATCTGCTTGCATGCCTTCAGTATGTCTTCTCGTTTTTTTGGAGGACAAGATT-3'
Protein context (NP_001845.3, residues 1557-1577): HTEGMQADAD[Asp1567=]NILDYSDGME